The following is an entry in ClinVar:

NM_000444.6(PHEX):c.1843del (p.Thr615fs)

Genes: PHEX (phosphate regulating endopeptidase X-linked; plus strand), PTCHD1-AS (PTCHD1 and PHEX antisense RNA; minus strand). Cytogenetic location: Xp22.11.
Variant type: Deletion.
Coding change: c.1843del on transcript NM_000444.6 (MANE Select); coding-DNA position 1843, one base deleted (A; older notation c.1843delA).
Protein change: p.Thr615fs; shifts the reading frame from threonine 615.
Molecular consequence: frameshift variant.
Genome position (GRCh38, 1-based): chrX:22,221,687, A deleted; the last of 6 consecutive A bases (chrX:22,221,682-22,221,687); deleting any one gives the same sequence. VCF-style (leftmost placement, unchanged base first): chrX-22221681-GA-G. GRCh37 (hg19) VCF-style: chrX-22239798-GA-G.
Other names: c.1843del, p.Thr615fs (NM_001282754.2); short protein forms T615fs.
Identifiers: ClinVar variation 1073484 (VCV001073484.9), dbSNP rs886041366, ClinGen allele CA2499226584.

ClinVar aggregate classification (germline): Pathogenic (1 of 4 stars; one submission).

Submission:

Labcorp Genetics (formerly Invitae), Labcorp
Classification: Pathogenic. Last evaluated: 2025-05-11. Review status: criteria provided, single submitter. Criteria: Invitae Variant Classification Sherloc (09022015). Collection method: clinical testing. Allele origin: germline.
Comment: This sequence change creates a premature translational stop signal (p.Thr615Glnfs*4) in the PHEX gene. It is expected to result in an absent or disrupted protein product. Loss-of-function variants in PHEX are known to be pathogenic (PMID: 9097956, 9106524, 19219621). This variant is not present in population databases (gnomAD no frequency). This premature translational stop signal has been observed in individual(s) with hypophosphatemic rickets (PMID: 21293852). ClinVar contains an entry for this variant (Variation ID: 1073484). For these reasons, this variant has been classified as Pathogenic.

Literature cited by the submitters: PubMed 9097956; PubMed 9106524; PubMed 19219621; PubMed 21293852.